The following is an entry in ClinVar:

ClinVar aggregate classification (germline): Uncertain significance. Review status: criteria provided, multiple submitters, no conflicts (2 of 4 stars). 6 submissions from 6 submitters: Uncertain significance (6). Last evaluated 2025-07-16.

Conditions:
Inborn genetic diseases. Identifiers: MedGen C0950123, MeSH D030342.
Walker-Warburg congenital muscular dystrophy. Also called: Muscular dystrophy-dystroglycanopathy, type A; Walker-Warburg syndrome. Identifiers: Orphanet 899, MedGen C0265221, MONDO:0000171.
Muscular dystrophy-dystroglycanopathy (congenital with impaired intellectual development), type B, 1. Also called: Muscular dystrophy-dystroglycanopathy (congenital with intellectual disability), type B1; MUSCULAR DYSTROPHY, CONGENITAL, POMT1-RELATED. Identifiers: MedGen C5436962, MONDO:0013159, OMIM 613155.
Autosomal recessive limb-girdle muscular dystrophy type 2K. Also called: MUSCULAR DYSTROPHY-DYSTROGLYCANOPATHY (LIMB-GIRDLE), TYPE C, 1; MUSCULAR DYSTROPHY, LIMB-GIRDLE, TYPE 2K. Identifiers: Orphanet 86812, MedGen C1836373, MONDO:0012248, OMIM 609308.

Allele frequency attached by ClinVar (database versions not stated): gnomAD exomes 0.00006; TOPMed 0.00006; gnomAD 0.00008 and 0.00007; ESP Exome Variant Server 0.00015; ExAC 0.00004.
gnomAD v4.1: 201 of 1,613,942 alleles (0.012%); highest among the groups gnomAD compares: Middle Eastern, 0.016%; no homozygotes.

Submissions (6):

GeneDx
Classification: Uncertain significance. Last evaluated: 2025-07-16. Review status: criteria provided, single submitter. Criteria: GeneDx Variant Classification Process June 2021. Collection method: clinical testing. Allele origin: germline. Affected: yes.
Comment: Not observed at significant frequency in large population cohorts (gnomAD); In silico analysis supports that this missense variant has a deleterious effect on protein structure/function; Has not been previously published as pathogenic or benign to our knowledge; This variant is associated with the following publications: (PMID: 30564623, 22549409)

Athena Diagnostics
Classification: Uncertain significance. Last evaluated: 2025-03-13. Review status: criteria provided, single submitter. Criteria: Athena Diagnostics Criteria. Collection method: clinical testing. Allele origin: unknown.
Comment: Available data are insufficient to determine the clinical significance of the variant at this time. The frequency of this variant in the general population is uninformative in assessment of its pathogenicity. Polyphen and MutationTaster predict this amino acid change may be benign.

Labcorp Genetics (formerly Invitae), Labcorp
Classification: Uncertain significance for Muscular dystrophy-dystroglycanopathy (congenital with impaired intellectual development), type B, 1; Walker-Warburg congenital muscular dystrophy; Autosomal recessive limb-girdle muscular dystrophy type 2K. Last evaluated: 2024-06-03. Review status: criteria provided, single submitter. Criteria: Invitae Variant Classification Sherloc (09022015). Collection method: clinical testing. Allele origin: germline.
Comment: This sequence change replaces arginine, which is basic and polar, with histidine, which is basic and polar, at codon 635 of the POMT1 protein (p.Arg635His). This variant is present in population databases (rs147601415, gnomAD 0.01%). This variant has not been reported in the literature in individuals affected with POMT1-related conditions. ClinVar contains an entry for this variant (Variation ID: 288003). Advanced modeling of protein sequence and biophysical properties (such as structural, functional, and spatial information, amino acid conservation, physicochemical variation, residue mobility, and thermodynamic stability) performed at Invitae indicates that this missense variant is not expected to disrupt POMT1 protein function with a negative predictive value of 95%. In summary, the available evidence is currently insufficient to determine the role of this variant in disease. Therefore, it has been classified as a Variant of Uncertain Significance.

Ambry Genetics
Classification: Uncertain significance for Inborn genetic diseases. Last evaluated: 2021-01-05. Review status: criteria provided, single submitter. Criteria: Ambry Variant Classification Scheme 2023. Collection method: clinical testing. Allele origin: germline.
Comment: The c.1904G>A (p.R635H) alteration is located in exon 19 (coding exon 18) of the POMT1 gene. This alteration results from a G to A substitution at nucleotide position 1904, causing the arginine (R) at amino acid position 635 to be replaced by a histidine (H). The p.R635H alteration is predicted to be tolerated by in silico analysis. Based on insufficient or conflicting evidence, the clinical significance of this alteration remains unclear.

Revvity Omics, Revvity
Classification: Uncertain significance. Last evaluated: 2019-06-04. Review status: criteria provided, single submitter. Criteria: ACMG Guidelines, 2015. Collection method: clinical testing. Allele origin: germline.

Eurofins Ntd Llc (ga)
Classification: Uncertain significance. Last evaluated: 2018-02-28. Review status: criteria provided, single submitter. Criteria: EGL ClinVar v180209 classification definitions. Collection method: clinical testing. Allele origin: germline. Observed: 3 variant alleles, 3 heterozygotes.

Literature cited by the submitters: PubMed 31862442 (cited by Athena Diagnostics).

NM_001077365.2(POMT1):c.1838G>A (p.Arg613His)

Gene: POMT1 (protein O-mannosyltransferase 1; plus strand). Cytogenetic location: 9q34.13.
Variant type: single nucleotide variant.
Coding change: c.1838G>A on transcript NM_001077365.2 (MANE Select); coding-DNA position 1838, G replaced by A.
Protein change: p.Arg613His; replaces arginine 613 with histidine.
Molecular consequence: missense variant. On other transcripts: non-coding transcript variant (10).
Genome position (GRCh38, 1-based): chr9:131,522,059, G>A. VCF-style: chr9-131522059-G-A. GRCh37 (hg19) VCF-style: chr9-134397446-G-A.
Other names: c.1676G>A, p.Arg559His (NM_001077366.2, NM_001353194.2); c.1838G>A, p.Arg613His (NM_001136113.2); c.1487G>A, p.Arg496His (NM_001136114.2, NM_001353195.2, NM_001374691.1 and 2 more transcripts); c.1904G>A, p.Arg635His (NM_001353193.2, NM_007171.4); c.1748G>A, p.Arg583His (NM_001353196.2); c.1742G>A, p.Arg581His (NM_001353197.2, NM_001353198.2); c.1553G>A, p.Arg518His (NM_001353199.2); c.1382G>A, p.Arg461His (NM_001353200.2); and 3 more; short protein forms R635H, R461H, R613H, R581H, R496H, R518H, R559H, R583H.
Identifiers: ClinVar variation 288003 (VCV000288003.18), dbSNP rs147601415, ClinGen allele CA5293867.